The following is an entry in ClinVar:

NM_001376.5(DYNC1H1):c.6882G>A (p.Glu2294=)

Gene: DYNC1H1 (dynein cytoplasmic 1 heavy chain 1; plus strand). Cytogenetic location: 14q32.31.
Variant type: single nucleotide variant.
Coding change: c.6882G>A on transcript NM_001376.5 (MANE Select); coding-DNA position 6882, G replaced by A.
Protein change: p.Glu2294=; no amino-acid change (glutamic acid 2294 retained).
Molecular consequence: synonymous variant.
Genome position (GRCh38, 1-based): chr14:102,012,338, G>A. VCF-style: chr14-102012338-G-A. GRCh37 (hg19) VCF-style: chr14-102478675-G-A.
Identifiers: ClinVar variation 512627 (VCV000512627.12), dbSNP rs772596156, ClinGen allele CA7352702.

ClinVar aggregate classification (germline): Likely benign. Review status: criteria provided, multiple submitters, no conflicts (2 of 4 stars). 4 submissions from 4 submitters: Likely benign (3). 1 of the submissions does not count toward it. Last evaluated 2025-12-19.

Conditions:
Charcot-Marie-Tooth disease axonal type 2O. Also called: Charcot-Marie-Tooth disease, axonal, type 20; CHARCOT-MARIE-TOOTH NEUROPATHY, AXONAL, TYPE 2O; CHARCOT-MARIE-TOOTH DISEASE, AXONAL, AUTOSOMAL DOMINANT, TYPE 2O; Charcot-Marie-Tooth Neuropathy Type 2O. Identifiers: Orphanet 284232, MedGen C3280220, MONDO:0013644, OMIM 614228.
Inborn genetic diseases. Identifiers: MedGen C0950123, MeSH D030342.
DYNC1H1-related disorder. Also called: DYNC1H1-related condition; DYNC1H1-related disorders. Identifiers: MedGen CN381529.

Allele frequency attached by ClinVar (database versions not stated): gnomAD 0.00001; ExAC 0.00002; gnomAD exomes 0.00002 and 0.00003; TOPMed 0.00002.
gnomAD v4.1: 14 of 1,614,106 alleles (0.00087%); highest among the groups gnomAD compares: Admixed American, 0.023%; no homozygotes.

Submissions (4):

Labcorp Genetics (formerly Invitae), Labcorp
Classification: Likely benign for Charcot-Marie-Tooth disease axonal type 2O. Last evaluated: 2025-12-19. Review status: criteria provided, single submitter. Criteria: Invitae Variant Classification Sherloc (09022015). Collection method: clinical testing. Allele origin: germline.

Ambry Genetics
Classification: Likely benign for Inborn genetic diseases. Last evaluated: 2018-06-12. Review status: criteria provided, single submitter. Criteria: Ambry Variant Classification Scheme 2023. Collection method: clinical testing. Allele origin: germline.

GeneDx
Classification: Likely benign. Last evaluated: 2017-10-12. Review status: criteria provided, single submitter. Criteria: GeneDx Variant Classification (06012015). Collection method: clinical testing. Allele origin: germline. Affected: yes.
Comment: This variant is considered likely benign or benign based on one or more of the following criteria: it is a conservative change, it occurs at a poorly conserved position in the protein, it is predicted to be benign by multiple in silico algorithms, and/or has population frequency not consistent with disease.

PreventionGenetics, part of Exact Sciences
Classification: Likely benign for DYNC1H1-related condition. Last evaluated: 2020-01-13. Review status: no assertion criteria provided. Collection method: clinical testing. Allele origin: germline. Not counted in ClinVar's aggregate classification.
Comment: This variant is classified as likely benign based on ACMG/AMP sequence variant interpretation guidelines (Richards et al. 2015 PMID: 25741868, with internal and published modifications).